The following is an entry in ClinVar:

ClinVar aggregate classification (germline): Likely benign. Review status: criteria provided, multiple submitters, no conflicts (2 of 4 stars). 2 submissions from 2 submitters: Likely benign (2). Last evaluated 2023-03-23.

Conditions:
Hereditary cancer-predisposing syndrome. Also called: Neoplastic Syndromes, Hereditary; Tumor predisposition; Hereditary Cancer Syndrome; Hereditary neoplastic syndrome. Identifiers: Orphanet 140162, MedGen C0027672, MeSH D009386, MONDO:0015356.

Submissions (2):

University of Washington Department of Laboratory Medicine, University of Washington
Classification: Likely benign for Hereditary cancer-predisposing syndrome. Last evaluated: 2023-03-23. Review status: criteria provided, single submitter. Criteria: Dines et al. (Genet Med. 2020). Collection method: curation. Allele origin: germline.
Comment: Missense variant in a coldspot region where missense variants are very unlikely to be pathogenic (PMID:31911673).

BRCA1 coldspot (exon 11 using historical exon numbering). Reclassification based on statistical prior probability

Ambry Genetics
Classification: Likely benign for Hereditary cancer-predisposing syndrome. Last evaluated: 2022-04-22. Review status: criteria provided, single submitter. Criteria: Ambry Variant Classification Scheme 2023. Collection method: clinical testing. Allele origin: germline.

NM_007294.4(BRCA1):c.3604T>C (p.Tyr1202His)

Genes: BRCA1 (BRCA1 DNA repair associated; minus strand), LOC126862571 (BRD4-independent group 4 enhancer GRCh37_chr17:41243136-41244335; plus strand). Cytogenetic location: 17q21.31.
Variant type: single nucleotide variant.
Coding change: c.3604T>C on transcript NM_007294.4 (MANE Select); coding-DNA position 3604, T replaced by C.
Protein change: p.Tyr1202His; replaces tyrosine 1202 with histidine.
Molecular consequence: missense variant. On other transcripts: intron variant (135).
Genome position (GRCh38, 1-based): chr17:43,091,927, A>G on the plus strand (T>C on the coding strand, the complement: BRCA1 is on the minus strand). VCF-style: chr17-43091927-A-G. GRCh37 (hg19) VCF-style: chr17-41243944-A-G.
Other names: c.3391T>C, p.Tyr1131His (NM_001407571.1, NM_001407853.1, NM_001407894.1 and 9 more transcripts); c.3604T>C, p.Tyr1202His (NM_001407581.1, NM_001407582.1, NM_001407583.1 and 30 more transcripts); c.3601T>C, p.Tyr1201His (NM_001407587.1, NM_001407590.1, NM_001407591.1 and 22 more transcripts); c.3595T>C, p.Tyr1199His (NM_001407646.1, NM_001407647.1); c.3481T>C, p.Tyr1161His (NM_001407648.1, NM_001407664.1, NM_001407665.1 and 19 more transcripts); c.3478T>C, p.Tyr1160His (NM_001407649.1, NM_001407670.1, NM_001407671.1 and 11 more transcripts); c.3526T>C, p.Tyr1176His (NM_001407653.1, NM_001407654.1, NM_001407655.1 and 4 more transcripts); c.3523T>C, p.Tyr1175His (NM_001407659.1, NM_001407660.1, NM_001407661.1 and 1 more transcripts); and 41 more; short protein forms Y1075H, Y1091H, Y1132H, Y1176H, Y1113H, Y1135H, Y1175H, Y334H.
Identifiers: ClinVar variation 1733143 (VCV001733143.4), dbSNP rs2154299794, ClinGen allele CA10594758.